The following is an entry in ClinVar:

ClinVar aggregate classification (germline): Benign. Review status: criteria provided, multiple submitters, no conflicts (2 of 4 stars). 4 submissions from 2 submitters: Benign (4). Last evaluated 2021-05-17.

Conditions:
Hereditary spherocytosis type 4. Also called: SLC4A1-Related Spherocytosis. Identifiers: Orphanet 822, MedGen C2675212, MONDO:0012981, OMIM 612653.
Autosomal dominant distal renal tubular acidosis (DRTA1). Also called: RTA, CLASSIC TYPE; RTA, DISTAL TYPE, AUTOSOMAL DOMINANT; RTA, GRADIENT TYPE; Renal Tubular Acidosis, Type I; RENAL TUBULAR ACIDOSIS, DISTAL, 1. Identifiers: Orphanet 93608, MedGen CN280572, MONDO:0008368, OMIM 179800.
Hemolytic anemia. Identifiers: MedGen C0002878, MONDO:0003664, HP:0001878.

Allele frequency attached by ClinVar (database versions not stated): 1000 Genomes Project 0.04852; gnomAD 0.04906 and 0.05293; 1000 Genomes Project 30x 0.05122; TOPMed 0.05475.
gnomAD v4.1: 8,718 of 339,414 alleles (2.6%); highest among the groups gnomAD compares: African/African-American, 17%; 735 homozygotes.

Submissions (4):

GeneDx
Classification: Benign. Last evaluated: 2021-05-17. Review status: criteria provided, single submitter. Criteria: GeneDx Variant Classification Process June 2021. Collection method: clinical testing. Allele origin: germline. Affected: yes.

Illumina Laboratory Services, Illumina
Classification: Benign for Hemolytic anemia. Last evaluated: 2018-01-12. Review status: criteria provided, single submitter. Criteria: ICSL Variant Classification Criteria 13 December 2019. Collection method: clinical testing. Allele origin: germline.
Comment: This variant was observed in the ICSL laboratory as part of a predisposition screen in an ostensibly healthy population. It had not been previously curated by ICSL or reported in the Human Gene Mutation Database (HGMD: prior to June 1st, 2018), and was therefore a candidate for classification through an automated scoring system. Utilizing variant allele frequency, disease prevalence and penetrance estimates, and inheritance mode, an automated score was calculated to assess if this variant is too frequent to cause the disease. Based on the score and internal cut-off values, a variant classified as benign is not then subjected to further curation. The score for this variant resulted in a classification of benign for this disease.

Illumina Laboratory Services, Illumina
Classification: Benign for Autosomal dominant distal renal tubular acidosis. Last evaluated: 2018-01-12. Review status: criteria provided, single submitter. Criteria: ICSL Variant Classification Criteria 13 December 2019. Collection method: clinical testing. Allele origin: germline.
Comment: the same text as in the submission from Illumina Laboratory Services, Illumina above.

Illumina Laboratory Services, Illumina
Classification: Benign for Hereditary spherocytosis type 4. Last evaluated: 2018-01-12. Review status: criteria provided, single submitter. Criteria: ICSL Variant Classification Criteria 13 December 2019. Collection method: clinical testing. Allele origin: germline.
Comment: the same text as in the submission from Illumina Laboratory Services, Illumina above.

NM_000342.4(SLC4A1):c.*349G>A

Gene: SLC4A1 (solute carrier family 4 member 1 (Diego blood group); minus strand). Cytogenetic location: 17q21.31.
Variant type: single nucleotide variant.
Coding change: c.*349G>A on transcript NM_000342.4 (MANE Select); 349 bases downstream of the stop codon, G replaced by A.
Molecular consequence: 3 prime UTR variant.
Genome position (GRCh38, 1-based): chr17:44,250,109, C>T on the plus strand (G>A on the coding strand, the complement: SLC4A1 is on the minus strand). VCF-style: chr17-44250109-C-T. GRCh37 (hg19) VCF-style: chr17-42327477-C-T.
Identifiers: ClinVar variation 323496 (VCV000323496.7), dbSNP rs1465204, ClinGen allele CA10650259.